The following is an entry in ClinVar:

NM_001083926.2(ASRGL1):c.163C>G (p.Leu55Val)

Gene: ASRGL1 (asparaginase and isoaspartyl peptidase 1; plus strand). Cytogenetic location: 11q12.3.
Variant type: single nucleotide variant.
Coding change: c.163C>G on transcript NM_001083926.2 (MANE Select); coding-DNA position 163, C replaced by G.
Protein change: p.Leu55Val; replaces leucine 55 with valine.
Molecular consequence: missense variant.
Genome position (GRCh38, 1-based): chr11:62,338,140, C>G. VCF-style: chr11-62338140-C-G. GRCh37 (hg19) VCF-style: chr11-62105612-C-G.
Other names: c.163C>G, p.Leu55Val (NM_025080.4); short protein forms L55V.
Identifiers: ClinVar variation 1056592 (VCV001056592.9), dbSNP rs145018428, ClinGen allele CA6043104.

ClinVar aggregate classification (germline): Uncertain significance (1 of 4 stars; one submission).

Allele frequency attached by ClinVar (database versions not stated): ESP Exome Variant Server 0.00015.
gnomAD v4.1: 5 of 1,587,258 alleles (0.00032%); highest among the groups gnomAD compares: Non-Finnish European, 0.00043%; no homozygotes.

Submission:

Labcorp Genetics (formerly Invitae), Labcorp
Classification: Uncertain significance. Last evaluated: 2025-02-26. Review status: criteria provided, single submitter. Criteria: Invitae Variant Classification Sherloc (09022015). Collection method: clinical testing. Allele origin: germline.
Comment: This sequence change replaces leucine, which is neutral and non-polar, with valine, which is neutral and non-polar, at codon 55 of the ASRGL1 protein (p.Leu55Val). This variant is present in population databases (rs145018428, gnomAD 0.002%). This variant has not been reported in the literature in individuals affected with ASRGL1-related conditions. ClinVar contains an entry for this variant (Variation ID: 1056592). An algorithm developed to predict the effect of missense changes on protein structure and function (PolyPhen-2) suggests that this variant is likely to be disruptive. In summary, the available evidence is currently insufficient to determine the role of this variant in disease. Therefore, it has been classified as a Variant of Uncertain Significance.